The following is an entry in ClinVar:

ClinVar aggregate classification (germline): Likely benign. Review status: criteria provided, multiple submitters, no conflicts (2 of 4 stars). 2 submissions from 2 submitters: Likely benign (2). Last evaluated 2025-07-02.

Conditions:
Dilated cardiomyopathy 1G (CMD1G). Identifiers: Orphanet 154, MedGen C1858763, MONDO:0011400, OMIM 604145.
Autosomal recessive limb-girdle muscular dystrophy type 2J (LGMDR10). Also called: Limb-girdle muscular dystrophy, type 2J; MUSCULAR DYSTROPHY, LIMB-GIRDLE, AUTOSOMAL RECESSIVE 10. Identifiers: Orphanet 140922, MedGen C1837342, MONDO:0012127, OMIM 608807.
TTN-related disorder. Also called: TTN-related disorders; TTN-related condition; TTN-related disease.

Allele frequency attached by ClinVar (database versions not stated): gnomAD 0.00001; gnomAD exomes 0.00001; TOPMed 0.00001.
gnomAD v4.1: 22 of 1,612,410 alleles (0.0014%); highest among the groups gnomAD compares: Non-Finnish European, 0.0018%; no homozygotes.

Submissions (2):

PreventionGenetics, part of Exact Sciences
Classification: Likely benign for TTN-related condition. Last evaluated: 2025-07-02. Review status: criteria provided, single submitter. Criteria: ACMG Guidelines, 2015. Collection method: clinical testing. Allele origin: germline.
Comment: This variant is classified as likely benign based on ACMG/AMP sequence variant interpretation guidelines (Richards et al. 2015 PMID: 25741868, with internal and published modifications).

Labcorp Genetics (formerly Invitae), Labcorp
Classification: Likely benign for Dilated cardiomyopathy 1G; Autosomal recessive limb-girdle muscular dystrophy type 2J. Last evaluated: 2025-01-15. Review status: criteria provided, single submitter. Criteria: Invitae Variant Classification Sherloc (09022015). Collection method: clinical testing. Allele origin: germline.

NM_001267550.2(TTN):c.54300T>C (p.Tyr18100=)

Genes: TTN (titin; minus strand), TTN-AS1 (TTN antisense RNA 1; plus strand). Cytogenetic location: 2q31.2.
Variant type: single nucleotide variant.
Coding change: c.54300T>C on transcript NM_001267550.2 (MANE Select); coding-DNA position 54300, T replaced by C.
Protein change: p.Tyr18100=; no amino-acid change (tyrosine 18100 retained).
Molecular consequence: synonymous variant. On other transcripts: non-coding transcript variant (1).
Genome position (GRCh38, 1-based): chr2:178,604,789, A>G on the plus strand (T>C on the coding strand, the complement: TTN is on the minus strand). VCF-style: chr2-178604789-A-G. GRCh37 (hg19) VCF-style: chr2-179469516-A-G.
Other names: c.49377T>C, p.Tyr16459= (NM_001256850.1); c.27105T>C, p.Tyr9035= (NM_003319.4); c.46596T>C, p.Tyr15532= (NM_133378.4); c.27480T>C, p.Tyr9160= (NM_133432.3); c.27681T>C, p.Tyr9227= (NM_133437.4).
Identifiers: ClinVar variation 1950970 (VCV001950970.6), dbSNP rs1253349703, ClinGen allele CA430102821.